The following is an entry in ClinVar:

ClinVar aggregate classification (germline): Conflicting classifications of pathogenicity. Review status: criteria provided, conflicting classifications (1 of 4 stars). 18 submissions from 18 submitters: Uncertain significance (3); Benign (1); Likely benign (12). 2 of the submissions do not count toward it. Last evaluated 2026-01-28.

Conditions:
Hereditary cancer-predisposing syndrome. Also called: Hereditary neoplastic syndrome; Neoplastic Syndromes, Hereditary; Hereditary Cancer Syndrome; Tumor predisposition. Identifiers: Orphanet 140162, MedGen C0027672, MeSH D009386, MONDO:0015356.
Familial cancer of breast. Also called: BREAST CANCER, FAMILIAL; hereditary breast carcinoma; Hereditary breast cancer. Identifiers: Orphanet 227535, MedGen C0346153, MONDO:0016419, OMIM 114480. Disease mechanism: loss of function.
Breast-ovarian cancer, familial, susceptibility to, 2 (BROVCA2). Also called: BRCA2 Hereditary Breast and Ovarian Cancer. Identifiers: Orphanet 145, MedGen C2675520, MONDO:0012933, OMIM 612555. Disease mechanism: loss of function.
Breast and/or ovarian cancer. Identifiers: MedGen CN221562.
Hereditary breast ovarian cancer syndrome. Also called: Hereditary breast and ovarian cancer; BRCA1- and BRCA2-Associated Hereditary Breast and Ovarian Cancer; Hereditary breast and/or ovarian cancer syndrome; Hereditary breast and ovarian cancer syndrome; Hereditary breast and ovarian cancer syndrome (HBOC); Breast and ovarian cancer. Identifiers: Orphanet 145, MedGen C0677776, MeSH D061325, MONDO:0003582. Disease mechanism: loss of function.
Neuroblastoma (NB). Identifiers: Orphanet 635, MedGen C0027819, MeSH D009447, MONDO:0005072, HP:0003006.

Allele frequency attached by ClinVar (database versions not stated): TOPMed 0.00003; ExAC 0.00004; ESP Exome Variant Server 0.00015; gnomAD 0.00004 and 0.00003; gnomAD exomes 0.00008 and 0.00004.
gnomAD v4.1: 114 of 1,613,142 alleles (0.0071%); highest among the groups gnomAD compares: Non-Finnish European, 0.0084%; no homozygotes.

Submissions (18):

Labcorp Genetics (formerly Invitae), Labcorp
Classification: Likely benign for Hereditary breast ovarian cancer syndrome. Last evaluated: 2026-01-28. Review status: criteria provided, single submitter. Criteria: Invitae Variant Classification Sherloc (09022015). Collection method: clinical testing. Allele origin: germline.

Dasa
Classification: Likely benign for Breast-ovarian cancer, familial, susceptibility to, 2. Last evaluated: 2025-10-29. Review status: criteria provided, single submitter. Criteria: DASA Assertion Criteria. Collection method: clinical testing. Allele origin: germline.
Comment: NM_000059.4(BRCA2):c.8918G>A (p.Arg2973His) is interpreted based on available population and clinical evidence, including population frequency and no convincing observation in affected individuals. Based on the available data, this variant is classified as likely benign.

Quest Diagnostics Nichols Institute San Juan Capistrano
Classification: Likely benign. Last evaluated: 2025-04-07. Review status: criteria provided, single submitter. Criteria: Quest Diagnostics criteria. Collection method: clinical testing. Allele origin: unknown.

Center for Genomic Medicine, Rigshospitalet, Copenhagen University Hospital
Classification: Likely benign. Last evaluated: 2025-03-04. Review status: criteria provided, single submitter. Criteria: ACMG Guidelines, 2015. Collection method: clinical testing. Allele origin: germline.

Women's Health and Genetics/Laboratory Corporation of America, LabCorp
Classification: Likely benign. Last evaluated: 2024-11-26. Review status: criteria provided, single submitter. Criteria: LabCorp Variant Classification Summary - May 2015. Collection method: clinical testing. Allele origin: germline.
Comment: Variant summary: BRCA2 c.8918G>A (p.Arg2973His) results in a non-conservative amino acid change located in the Nucleic acid-binding proteins domain (IPR012340) of the encoded protein sequence. Three of five in-silico tools predict a damaging effect of the variant on protein function. The variant allele was found at a frequency of 4e-05 in 249436 control chromosomes. This frequency is not significantly higher than estimated for a pathogenic variant in BRCA2 causing Hereditary Breast And Ovarian Cancer Syndrome (4e-05 vs 0.00075), allowing no conclusion about variant significance. A further control individual was reported to carry this variant in the FLOSSIES database. c.8918G>A has been reported in the literature in individuals affected with Breast and/or Ovarian Cancer (example, Alsop_2012, Fackenthal_2012, Pal_2005). These reports do not provide unequivocal conclusions about association of the variant with Hereditary Breast and Ovarian Cancer. A Japanese case-control study reported the variant as "benign" due to its presence in controls and absence in cases (Momozawa_2018). One co-occurrence with another pathogenic variant has been reported (BRCA2 c.1219_1219delC, p.Gln407Argfs, BIC database), providing supporting evidence for a benign role. At least two publications report experimental evidence evaluating an impact on protein function. These results showed no damaging effect of this variant on HDR activity (Hart_2019, Richardson_2021). HDR assays qualify as a recognized gold standard on the basis of updated guidance provided by the ClinGen Sequence Variant Interpretation (SVI) working group. This working group has recommended strong functional evidence (ACMG BS3) as sufficient weightage for categorization as likely benign (Tavtigian_2018). The following publications have been ascertained in the context of this evaluation (PMID: 22711857, 31294896, 24163242, 22034289, 29884841, 21702907, 19043619, 30287823, 20127978, 31112341, 16284991, 33609447, 33428613). ClinVar contains an entry for this variant (Variation ID: 38194). Based on the evidence outlined above, the variant was classified as likely benign.

Molecular Pathology, Peter Maccallum Cancer Centre
Classification: Likely benign for Breast-ovarian cancer, familial, susceptibility to, 2. Last evaluated: 2024-06-04. Review status: criteria provided, single submitter. Criteria: ACMG Guidelines, 2015. Collection method: clinical testing. Allele origin: germline. Inheritance: Autosomal dominant inheritance.

ARUP Laboratories, Molecular Genetics and Genomics, ARUP Laboratories
Classification: Likely benign. Last evaluated: 2024-04-22. Review status: criteria provided, single submitter. Criteria: ARUP Molecular Germline Variant Investigation Process 2024. Collection method: clinical testing. Allele origin: germline.

Myriad Genetics, Inc.
Classification: Benign for Breast-ovarian cancer, familial, susceptibility to, 2. Last evaluated: 2024-01-04. Review status: criteria provided, single submitter. Criteria: Myriad Autosomal Dominant, Autosomal Recessive and X-Linked Classification Criteria (2023). Collection method: clinical testing. Allele origin: unknown.
Comment: This variant is considered benign. This variant is strongly associated with less severe personal and family histories of cancer, typical for individuals without pathogenic variants in this gene [PMID: 25085752]. This variant has been observed in trans with a known pathogenic variant in one or more individuals lacking clinical features consistent with gene-specific recessive disease.

All of Us Research Program, National Institutes of Health
Classification: Likely benign for Breast-ovarian cancer, familial, susceptibility to, 2. Last evaluated: 2023-11-20. Review status: criteria provided, single submitter. Criteria: ACMG Guidelines, 2015. Collection method: clinical testing. Allele origin: germline. Inheritance: Autosomal dominant inheritance. Observed: 7 variant alleles, 7 heterozygotes.
Comment: This study involves interpretation of variants in research participants for the purpose of population health screening. Participant phenotype was not available at the time of variant classification. Additional details can be found in publication PMID: 35346344, PMCID: PMC8962531

Department of Pathology and Laboratory Medicine, Sinai Health System
Classification: Uncertain significance for Familial cancer of breast; Breast-ovarian cancer, familial, susceptibility to, 2. Last evaluated: 2021-01-19. Review status: criteria provided, single submitter. Criteria: ACMG Guidelines, 2015. Collection method: clinical testing. Allele origin: germline. Affected: yes.

GeneDx
Classification: Likely benign. Last evaluated: 2020-02-04. Review status: criteria provided, single submitter. Criteria: GeneDx Variant Classification Process June 2021. Collection method: clinical testing. Allele origin: germline. Affected: yes.
Comment: This variant is associated with the following publications: (PMID: 29884841, 31131967, 30212499, 16284991, 22034289, 19043619, 22711857, 21702907, 20127978, 30287823)

Mendelics
Classification: Likely benign for Breast-ovarian cancer, familial, susceptibility to, 2. Last evaluated: 2019-05-28. Review status: criteria provided, single submitter. Criteria: Mendelics Assertion Criteria 2017. Collection method: clinical testing. Allele origin: unknown.

Ambry Genetics
Classification: Likely benign for Hereditary cancer-predisposing syndrome. Last evaluated: 2019-04-28. Review status: criteria provided, single submitter. Criteria: Ambry Variant Classification Scheme 2023. Collection method: clinical testing. Allele origin: germline.

St. Jude Molecular Pathology, St. Jude Children's Research Hospital
Classification: Uncertain significance for Neuroblastoma. Last evaluated: 2017-04-03. Review status: criteria provided, single submitter. Criteria: ACMG Guidelines, 2015. Collection method: clinical testing. Allele origin: germline. Affected: yes.

CHEO Genetics Diagnostic Laboratory, Children's Hospital of Eastern Ontario
Classification: Uncertain significance for Breast and/or ovarian cancer. Last evaluated: 2016-12-08. Review status: criteria provided, single submitter. Criteria: ACMG Guidelines, 2015. Collection method: clinical testing. Allele origin: germline. Study: Canadian Open Genetics Repository.

Color Diagnostics, LLC DBA Color Health
Classification: Likely benign for Hereditary cancer-predisposing syndrome. Last evaluated: 2014-11-24. Review status: criteria provided, single submitter. Criteria: ACMG Guidelines, 2015. Collection method: clinical testing. Allele origin: germline.

Sharing Clinical Reports Project (SCRP)
Classification: Likely benign for Breast-ovarian cancer, familial 2. Last evaluated: 2013-11-05. Review status: no assertion criteria provided. Collection method: clinical testing. Allele origin: germline. Not counted in ClinVar's aggregate classification.

Breast Cancer Information Core (BIC) (BRCA2)
Classification: Uncertain significance for Breast-ovarian cancer, familial 2. Last evaluated: 2002-05-29. Review status: no assertion criteria provided. Collection method: clinical testing. Allele origin: germline. Affected: yes. Observed: 6 variant alleles. Not counted in ClinVar's aggregate classification.

Literature cited by the submitters: PubMed 33609447 (cited by Quest Diagnostics Nichols Institute San Juan Capistrano and Women's Health and Genetics/Laboratory Corporation of America, LabCorp); PubMed 33428613 (cited by Quest Diagnostics Nichols Institute San Juan Capistrano and Women's Health and Genetics/Laboratory Corporation of America, LabCorp); PubMed 31294896 (cited by Quest Diagnostics Nichols Institute San Juan Capistrano and Women's Health and Genetics/Laboratory Corporation of America, LabCorp); PubMed 33471991 (cited by Quest Diagnostics Nichols Institute San Juan Capistrano); PubMed 20127978 (cited by Quest Diagnostics Nichols Institute San Juan Capistrano and Women's Health and Genetics/Laboratory Corporation of America, LabCorp); PubMed 19043619 (cited by Quest Diagnostics Nichols Institute San Juan Capistrano and Women's Health and Genetics/Laboratory Corporation of America, LabCorp); PubMed 22034289 (cited by 3 submitters); PubMed 16284991 (cited by 3 submitters); PubMed 36243179 (cited by Quest Diagnostics Nichols Institute San Juan Capistrano); PubMed 34326862 (cited by Quest Diagnostics Nichols Institute San Juan Capistrano); PubMed 35736817 (cited by Quest Diagnostics Nichols Institute San Juan Capistrano); PubMed 31131967 (cited by Quest Diagnostics Nichols Institute San Juan Capistrano); PubMed 22711857 (cited by 3 submitters); PubMed 30287823 (cited by 3 submitters); PubMed 29884841 (cited by 3 submitters); PubMed 21702907 (cited by Women's Health and Genetics/Laboratory Corporation of America, LabCorp); PubMed 24163242 (cited by Women's Health and Genetics/Laboratory Corporation of America, LabCorp); PubMed 31112341 (cited by Women's Health and Genetics/Laboratory Corporation of America, LabCorp); PubMed 25085752 (cited by Myriad Genetics, Inc.).

NM_000059.4(BRCA2):c.8918G>A (p.Arg2973His)

Gene: BRCA2 (BRCA2 DNA repair associated; plus strand). Cytogenetic location: 13q13.1.
Variant type: single nucleotide variant.
Coding change: c.8918G>A on transcript NM_000059.4 (MANE Select); coding-DNA position 8918, G replaced by A.
Protein change: p.Arg2973His; replaces arginine 2973 with histidine.
Molecular consequence: missense variant.
Genome position (GRCh38, 1-based): chr13:32,379,480, G>A. VCF-style: chr13-32379480-G-A. GRCh37 (hg19) VCF-style: chr13-32953617-G-A.
Other names: 9146G>A; short protein forms R2973H.
Identifiers: ClinVar variation 38194 (VCV000038194.39), dbSNP rs80359143, ClinGen allele CA025874.